The following is an entry in ClinVar:

ClinVar aggregate classification (germline): Uncertain significance (1 of 4 stars; one submission).

Conditions:
Early-infantile DEE. Also called: Early infantile epileptic encephalopathy with suppression bursts; Early infantile epileptic encephalopathy; Ohtahara syndrome. Identifiers: Orphanet 1934, MedGen C0393706, MONDO:0800491.

Allele frequency attached by ClinVar (database versions not stated): gnomAD 0.00001 and 0.00002; gnomAD exomes 0.00001 and 0.00002; ExAC 0.00002; TOPMed 0.00002; 1000 Genomes Project 0.00020; 1000 Genomes Project 30x 0.00047.
gnomAD v4.1: 10 of 1,607,526 alleles (0.00062%); highest among the groups gnomAD compares: African/African-American, 0.012%; no homozygotes.

Submission:

Labcorp Genetics (formerly Invitae), Labcorp
Classification: Uncertain significance for Early-infantile DEE. Last evaluated: 2025-09-02. Review status: criteria provided, single submitter. Criteria: Invitae Variant Classification Sherloc (09022015). Collection method: clinical testing. Allele origin: germline.
Comment: This sequence change replaces arginine, which is basic and polar, with tryptophan, which is neutral and slightly polar, at codon 474 of the ARHGEF15 protein (p.Arg474Trp). This variant is present in population databases (rs562206017, gnomAD 0.03%). This variant has not been reported in the literature in individuals affected with ARHGEF15-related conditions. ClinVar contains an entry for this variant (Variation ID: 1355408). An algorithm developed to predict the effect of missense changes on protein structure and function outputs the following: PolyPhen-2: "Benign". The tryptophan amino acid residue is found in multiple mammalian species, which suggests that this missense change does not adversely affect protein function. In summary, the available evidence is currently insufficient to determine the role of this variant in disease. Therefore, it has been classified as a Variant of Uncertain Significance.

NM_173728.4(ARHGEF15):c.1420C>T (p.Arg474Trp)

Gene: ARHGEF15 (Rho guanine nucleotide exchange factor 15; plus strand). Cytogenetic location: 17p13.1.
Variant type: single nucleotide variant.
Coding change: c.1420C>T on transcript NM_173728.4 (MANE Select); coding-DNA position 1420, C replaced by T.
Protein change: p.Arg474Trp; replaces arginine 474 with tryptophan.
Molecular consequence: missense variant.
Genome position (GRCh38, 1-based): chr17:8,315,573, C>T. VCF-style: chr17-8315573-C-T. GRCh37 (hg19) VCF-style: chr17-8218891-C-T.
Other names: c.1420C>T, p.Arg474Trp (NM_025014.2); short protein forms R474W.
Identifiers: ClinVar variation 1355408 (VCV001355408.7), dbSNP rs562206017, ClinGen allele CA8375162.
Genomic context (GRCh38, chr17:8,315,573, plus strand): 5'-ACCCCCCGTGATCACCACACACTCTTCTCCAATGTGCAGCGAGTCCAGGGAGTCAGCGAG[C>T]GGTCAGTGGCTTTCCGTCCTTCCAGGGAACCTGCCCTTAGGCTGCTGGGCACGCCCTTTC-3'
Protein context (NP_776089.2, residues 464-484): NVQRVQGVSE[Arg474Trp]FLATLLSRVR